The following is an entry in ClinVar:

ClinVar aggregate classification (germline): Likely pathogenic (0 of 4 stars; one submission).

Conditions:
Endometrial carcinoma. Also called: Endometrial carcinoma, somatic. Identifiers: MedGen C0476089, MONDO:0002447, OMIM 608089, HP:0012114.

Submission:

Department of Pathology and Laboratory Medicine, Sinai Health System
Classification: Likely pathogenic for Endometrial carcinoma. Review status: no assertion criteria provided. Collection method: clinical testing. Allele origin: unknown. Affected: yes. Study: The Canadian Open Genetics Repository (COGR).
Comment: The p.Asn45Thr variant has been identified in 2/18 probands (frequency: 0.056) with BMMR syndrome (T cell lympholbastic lymphoma, GI polyposis and CafâˆšÂ©-au-lait) based on both tumour and germline analysis (Bakry 2014); however, control chromosomes were not evaluated in this study, thus the prevalence of this variant in the general population could not be determined. Patient No.1 was PMS2 deficient but no IHC data was available for patient No.2 The p.Asn45Thr is the compound het variant and found with c.2186-2178delTCPMS2 in both patients. The variant was classified as pathogenic in the paper, but has not been found as pathogenic in Lynch syndrome DB. The variant was not identified in the GeneInsight, HGMD, COSMIC, Mut, MMR, InSiGHT Colon Cancer and ClinVar databases. This residue is conserved in mammals and lower organisms; however, computational analyses (PolyPhen2, SIFT, AlignGVGD, BLOSUM) provide inconsistent predictions regarding the impact to the protein and this information is not very predictive of pathogenicity. In summary, based on the above information, the clinical significance of this variant cannot be determined with certainly at this time although we would lean towards a more pathogenic role of this variant. This variant is classified as predicted pathogenic.

NM_000535.7(PMS2):c.134A>C (p.Asn45Thr)

Gene: PMS2 (PMS1 homolog 2, mismatch repair system component; minus strand). Cytogenetic location: 7p22.1.
Variant type: single nucleotide variant.
Coding change: c.134A>C on transcript NM_000535.7 (MANE Select); coding-DNA position 134, A replaced by C.
Protein change: p.Asn45Thr; replaces asparagine 45 with threonine.
Molecular consequence: missense variant. On other transcripts: 5 prime UTR variant (8), non-coding transcript variant (1), intron variant (3).
Genome position (GRCh38, 1-based): chr7:6,005,921, T>G on the plus strand (A>C on the coding strand, the complement: PMS2 is on the minus strand). VCF-style: chr7-6005921-T-G. GRCh37 (hg19) VCF-style: chr7-6045552-T-G.
Other names: c.-272A>C (NM_001322003.2, NM_001322005.2, NM_001322009.2 and 1 more transcripts); c.134A>C, p.Asn45Thr (NM_001322006.2, NM_001322014.2); c.-82A>C (NM_001322007.2); c.-751A>C (NM_001322011.2, NM_001322012.2); c.-351A>C (NM_001322015.2); c.-52-1863A>C (NM_001322008.2); c.-242-1863A>C (NM_001322010.2, NM_001322004.2); short protein forms N45T.
Identifiers: ClinVar variation 434024 (VCV000434024.2), dbSNP rs1554306353, ClinGen allele CA366744999.